The following is an entry in ClinVar:

ClinVar aggregate classification (germline): Likely benign (1 of 4 stars; one submission).

gnomAD v4.1: 374 of 1,411,928 alleles (0.026%); highest among the groups gnomAD compares: African/African-American, 0.49%; 1 homozygote.

Submission:

CeGaT Center for Human Genetics Tuebingen
Classification: Likely benign. Last evaluated: 2026-03-01. Review status: criteria provided, single submitter. Criteria: CeGaT Center For Human Genetics Tuebingen Variant Classification Criteria Version 2. Collection method: clinical testing. Allele origin: germline. Affected: yes. Observed: 2 variant alleles.
Comment: ENG: BS2

NM_001114753.3(ENG):c.*149G>C

Gene: ENG (endoglin; minus strand). Cytogenetic location: 9q34.11.
Variant type: single nucleotide variant.
Coding change: c.*149G>C on transcript NM_001114753.3 (MANE Select); 149 bases downstream of the stop codon, G replaced by C.
Molecular consequence: 3 prime UTR variant.
Genome position (GRCh38, 1-based): chr9:127,815,533, C>G on the plus strand (G>C on the coding strand, the complement: ENG is on the minus strand). VCF-style: chr9-127815533-C-G. GRCh37 (hg19) VCF-style: chr9-130577812-C-G.
Other names: c.*384G>C (NM_000118.4); c.*149G>C (NM_001278138.2).
Identifiers: ClinVar variation 4534526 (VCV004534526.6).